The following is an entry in ClinVar:

NM_139076.3(ABRAXAS1):c.964A>G (p.Asn322Asp)

Gene: ABRAXAS1 (abraxas 1, BRCA1 A complex subunit; minus strand). Cytogenetic location: 4q21.23.
Variant type: single nucleotide variant.
Coding change: c.964A>G on transcript NM_139076.3 (MANE Select); coding-DNA position 964, A replaced by G.
Protein change: p.Asn322Asp; replaces asparagine 322 with aspartic acid.
Molecular consequence: missense variant.
Genome position (GRCh38, 1-based): chr4:83,462,735, T>C on the plus strand (A>G on the coding strand, the complement: ABRAXAS1 is on the minus strand). VCF-style: chr4-83462735-T-C. GRCh37 (hg19) VCF-style: chr4-84383888-T-C.
Other names: c.637A>G, p.Asn213Asp (NM_001345962.2); short protein forms N213D, N322D.
Identifiers: ClinVar variation 2626377 (VCV002626377.2), dbSNP rs2529418696, ClinGen allele CA357255731.

ClinVar aggregate classification (germline): Uncertain significance (1 of 4 stars; one submission).

Submission:

Ambry Genetics
Classification: Uncertain significance. Last evaluated: 2023-06-29. Review status: criteria provided, single submitter. Criteria: Ambry Variant Classification Scheme 2023. Collection method: clinical testing. Allele origin: germline.
Comment: The p.N322D variant (also known as c.964A>G), located in coding exon 9 of the FAM175A gene, results from an A to G substitution at nucleotide position 964. The asparagine at codon 322 is replaced by aspartic acid, an amino acid with highly similar properties. This amino acid position is conserved. In addition, this alteration is predicted to be tolerated by in silico analysis. Since supporting evidence is limited at this time, the clinical significance of this alteration remains unclear.